The following is an entry in ClinVar:

NM_001145475.3(FAM186A):c.4362G>A (p.Glu1454=)

Gene: FAM186A (family with sequence similarity 186 member A; minus strand). Cytogenetic location: 12q13.12.
Variant type: single nucleotide variant.
Coding change: c.4362G>A on transcript NM_001145475.3 (MANE Select); coding-DNA position 4362, G replaced by A.
Protein change: p.Glu1454=; no amino-acid change (glutamic acid 1454 retained).
Molecular consequence: synonymous variant.
Genome position (GRCh38, 1-based): chr12:50,352,470, C>T on the plus strand (G>A on the coding strand, the complement: FAM186A is on the minus strand). VCF-style: chr12-50352470-C-T. GRCh37 (hg19) VCF-style: chr12-50746253-C-T.
Identifiers: ClinVar variation 2642987 (VCV002642987.24), dbSNP rs765346974, ClinGen allele CA6563190.
Genomic context (GRCh38, chr12:50,352,470, plus strand): 5'-CTGAGGGGTGAGAGGGATCCCCAATTCCTGAGCCTGCTGAGGGGTGAGAGTGATCCCCAG[C>T]TCCTGAGCCTGCTGAGCGGTGAGAGGCATCCCCAGGGCCTGGGCCTGCTGAGGGGTGAGA-3'
Protein context (NP_001138947.1, residues 1444-1464): GMPLTAQQAQ[Glu1454=]LGITLTPQQA

ClinVar aggregate classification (germline): Likely benign (1 of 4 stars; one submission).

Allele frequency attached by ClinVar (database versions not stated): ExAC 0.00005.

Submission:

CeGaT Center for Human Genetics Tuebingen
Classification: Likely benign. Last evaluated: 2023-08-01. Review status: criteria provided, single submitter. Criteria: CeGaT Center For Human Genetics Tuebingen Variant Classification Criteria Version 2. Collection method: clinical testing. Allele origin: germline. Affected: yes. Observed: 1 variant allele.
Comment: FAM186A: BP4, BP7